The following is an entry in ClinVar:

NM_012186.3(FOXE3):c.835G>A (p.Gly279Ser)

Genes: FOXE3 (forkhead box E3; plus strand), LINC01389 (long independently transcribed non-coding RNA 1389; minus strand). Cytogenetic location: 1p33.
Variant type: single nucleotide variant.
Coding change: c.835G>A on transcript NM_012186.3 (MANE Select); coding-DNA position 835, G replaced by A.
Protein change: p.Gly279Ser; replaces glycine 279 with serine.
Molecular consequence: missense variant.
Genome position (GRCh38, 1-based): chr1:47,417,150, G>A. VCF-style: chr1-47417150-G-A. GRCh37 (hg19) VCF-style: chr1-47882822-G-A.
Other names: short protein forms G279S.
Identifiers: ClinVar variation 1763081 (VCV001763081.5), dbSNP rs1323564121, ClinGen allele CA340250820.

ClinVar aggregate classification (germline): Uncertain significance. Review status: criteria provided, multiple submitters, no conflicts (2 of 4 stars). 2 submissions from 2 submitters: Uncertain significance (2). Last evaluated 2023-09-19.

Conditions:
Cardiovascular phenotype. Identifiers: MedGen CN230736.
Anterior segment dysgenesis. Also called: Ocular anterior segment dysgenesis. Identifiers: Orphanet 88632, MedGen C1862839, MONDO:0019503, HP:0007700.
Congenital primary aphakia. Also called: ANTERIOR SEGMENT DYSGENESIS 2; Anterior segment dysgenesis 2, multiple subtypes. Identifiers: Orphanet 83461, MedGen C1853230, MONDO:0012456, OMIM 610256.

Allele frequency attached by ClinVar (database versions not stated): gnomAD exomes 0.00001.
gnomAD v4.1: 8 of 1,404,386 alleles (0.00057%); highest among the groups gnomAD compares: Non-Finnish European, 0.00074%; no homozygotes.

Submissions (2):

Labcorp Genetics (formerly Invitae), Labcorp
Classification: Uncertain significance for Anterior segment dysgenesis; Congenital primary aphakia. Last evaluated: 2023-09-19. Review status: criteria provided, single submitter. Criteria: Invitae Variant Classification Sherloc (09022015). Collection method: clinical testing. Allele origin: germline.
Comment: In summary, the available evidence is currently insufficient to determine the role of this variant in disease. Therefore, it has been classified as a Variant of Uncertain Significance. Algorithms developed to predict the effect of missense changes on protein structure and function output the following: SIFT: "Not Available"; PolyPhen-2: "Possibly Damaging"; Align-GVGD: "Not Available". The serine amino acid residue is found in multiple mammalian species, which suggests that this missense change does not adversely affect protein function. ClinVar contains an entry for this variant (Variation ID: 1763081). This variant has not been reported in the literature in individuals affected with FOXE3-related conditions. This variant is not present in population databases (gnomAD no frequency). This sequence change replaces glycine, which is neutral and non-polar, with serine, which is neutral and polar, at codon 279 of the FOXE3 protein (p.Gly279Ser).

Ambry Genetics
Classification: Uncertain significance for Cardiovascular phenotype. Last evaluated: 2021-01-11. Review status: criteria provided, single submitter. Criteria: Ambry Variant Classification Scheme 2023. Collection method: clinical testing. Allele origin: germline.
Comment: The p.G279S variant (also known as c.835G>A), located in coding exon 1 of the FOXE3 gene, results from a G to A substitution at nucleotide position 835. The glycine at codon 279 is replaced by serine, an amino acid with similar properties. This amino acid position is well conserved in available vertebrate species. In addition, this alteration is predicted to be tolerated by in silico analysis. Since supporting evidence is limited at this time, the clinical significance of this alteration remains unclear.